The following is an entry in ClinVar:

NM_000540.3(RYR1):c.14304-11C>T

Gene: RYR1 (ryanodine receptor 1; plus strand). Cytogenetic location: 19q13.2.
Variant type: single nucleotide variant.
Coding change: c.14304-11C>T on transcript NM_000540.3 (MANE Select); 11 bases into the intron before coding-DNA position 14304, C replaced by T.
Molecular consequence: intron variant.
Genome position (GRCh38, 1-based): chr19:38,578,133, C>T. VCF-style: chr19-38578133-C-T. GRCh37 (hg19) VCF-style: chr19-39068773-C-T.
Other names: c.14289-11C>T (NM_001042723.2).
Identifiers: ClinVar variation 511049 (VCV000511049.13), dbSNP rs374065822, ClinGen allele CA061086.

ClinVar aggregate classification (germline): Likely benign. Review status: criteria provided, multiple submitters, no conflicts (2 of 4 stars). 4 submissions from 4 submitters: Likely benign (4). Last evaluated 2025-07-31.

Conditions:
RYR1-related disorder. Also called: RYR1-related condition; RYR1-related disorders. Identifiers: MedGen CN239331.
Malignant hyperthermia, susceptibility to, 1 (MHS1). Also called: Anesthesia related hyperthermia; Malignant hyperpyrexia; Fulminating hyperpyrexia; Pharmacogenic myopathy; RYR1-Related Malignant Hyperthermia Susceptibility; Malignant hyperthermia suceptibility 1. Identifiers: Orphanet 423, MedGen C2930980, MONDO:0007783, OMIM 145600.

Allele frequency attached by ClinVar (database versions not stated): TOPMed 0.00006; gnomAD 0.00007 and 0.00006; ESP Exome Variant Server 0.00008.
gnomAD v4.1: 48 of 1,613,124 alleles (0.003%); highest among the groups gnomAD compares: South Asian, 0.029%; no homozygotes.

Submissions (4):

Labcorp Genetics (formerly Invitae), Labcorp
Classification: Likely benign for RYR1-related disorder. Last evaluated: 2025-07-31. Review status: criteria provided, single submitter. Criteria: Invitae Variant Classification Sherloc (09022015). Collection method: clinical testing. Allele origin: germline.

All of Us Research Program, National Institutes of Health
Classification: Likely benign for Malignant hyperthermia, susceptibility to, 1. Last evaluated: 2024-01-11. Review status: criteria provided, single submitter. Criteria: ACMG Guidelines, 2015. Collection method: clinical testing. Allele origin: germline. Inheritance: Autosomal dominant inheritance. Observed: 6 variant alleles, 6 heterozygotes.
Comment: This study involves interpretation of variants in research participants for the purpose of population health screening. Participant phenotype was not available at the time of variant classification. Additional details can be found in publication PMID: 35346344, PMCID: PMC8962531

Color Diagnostics, LLC DBA Color Health
Classification: Likely benign for Malignant hyperthermia, susceptibility to, 1. Last evaluated: 2023-01-12. Review status: criteria provided, single submitter. Criteria: ACMG Guidelines, 2015. Collection method: clinical testing. Allele origin: germline.

GeneDx
Classification: Likely benign. Last evaluated: 2021-05-27. Review status: criteria provided, single submitter. Criteria: GeneDx Variant Classification Process June 2021. Collection method: clinical testing. Allele origin: germline. Affected: yes.